The following is an entry in ClinVar:

ClinVar aggregate classification (germline): Uncertain significance (1 of 4 stars; one submission).

Submission:

Labcorp Genetics (formerly Invitae), Labcorp
Classification: Uncertain significance. Last evaluated: 2022-08-15. Review status: criteria provided, single submitter. Criteria: Invitae Variant Classification Sherloc (09022015). Collection method: clinical testing. Allele origin: germline.
Comment: In summary, the available evidence is currently insufficient to determine the role of this variant in disease. Therefore, it has been classified as a Variant of Uncertain Significance. Variants that disrupt the consensus splice site are a relatively common cause of aberrant splicing (PMID: 17576681, 9536098). Algorithms developed to predict the effect of sequence changes on RNA splicing suggest that this variant may disrupt the consensus splice site. ClinVar contains an entry for this variant (Variation ID: 844527). This variant has not been reported in the literature in individuals affected with CDH23-related conditions. This variant is present in population databases (no rsID available, gnomAD 0.01%). This variant results in the deletion of part of exon 70 (c.9739-19_9800del) of the CDH23 gene. While this variant is not anticipated to result in nonsense mediated decay, it likely alters RNA splicing and results in a disrupted protein product.

Literature cited by the submitters: PubMed 17576681; PubMed 9536098.

NM_022124.6(CDH23):c.9739-19_9800del

Gene: CDH23 (cadherin related 23; plus strand). Cytogenetic location: 10q22.1.
Variant type: Deletion.
Coding change: c.9739-19_9800del on transcript NM_022124.6 (MANE Select); 19 bases into the intron before coding-DNA position 9739 through coding-DNA position 9800, 81 bases deleted.
Molecular consequence: splice acceptor variant.
Genome position (GRCh38, 1-based): chr10:71,814,933-71,815,013, 81 bases deleted. GRCh37 (hg19): chr10:73,574,690-73,574,770.
Other names: c.3019-19_3080del (NM_001171933.1); c.2914-19_2975del (NM_001171934.1); c.430-19_491del (NM_001171935.1); c.325-19_386del (NM_001171936.1).
Identifiers: ClinVar variation 844527 (VCV000844527.9), dbSNP rs1564810678, ClinGen allele CA594308222.